The following is an entry in ClinVar:

ClinVar aggregate classification (germline): Pathogenic (1 of 4 stars; one submission).

Conditions:
Cardiovascular phenotype. Identifiers: MedGen CN230736.
Hereditary cancer-predisposing syndrome. Also called: Neoplastic Syndromes, Hereditary; Tumor predisposition; Hereditary Cancer Syndrome; Hereditary neoplastic syndrome. Identifiers: Orphanet 140162, MedGen C0027672, MeSH D009386, MONDO:0015356.

Submission:

Ambry Genetics
Classification: Pathogenic for Cardiovascular phenotype; Hereditary cancer-predisposing syndrome. Last evaluated: 2025-11-10. Review status: criteria provided, single submitter. Criteria: Ambry Variant Classification Scheme 2023. Collection method: clinical testing. Allele origin: germline.
Comment: The c.915delA pathogenic mutation, located in coding exon 9 of the NF1 gene, results from a deletion of one nucleotide at nucleotide position 915, causing a translational frameshift with a predicted alternate stop codon (p.A306Lfs*11). This variant is considered to be rare based on population cohorts in the Genome Aggregation Database (gnomAD). This alteration is expected to result in loss of function by premature protein truncation or nonsense-mediated mRNA decay. As such, this alteration is interpreted as a disease-causing mutation.

NM_001042492.3(NF1):c.915del (p.Ala306fs)

Gene: NF1 (neurofibromin 1; plus strand). Cytogenetic location: 17q11.2.
Variant type: Deletion.
Coding change: c.915del on transcript NM_001042492.3 (MANE Select); coding-DNA position 915, one base deleted (A; older notation c.915delA).
Protein change: p.Ala306fs; shifts the reading frame from alanine 306.
Molecular consequence: frameshift variant.
Genome position (GRCh38, 1-based): chr17:31,200,448, A deleted; the last of 4 consecutive A bases (chr17:31,200,445-31,200,448); deleting any one gives the same sequence. VCF-style (leftmost placement, unchanged base first): chr17-31200444-GA-G. GRCh37 (hg19) VCF-style: chr17-29527462-GA-G.
Other names: c.915del, p.Ala306fs (NM_000267.4, NM_001128147.3); short protein forms A306fs.
Identifiers: ClinVar variation 4615774 (VCV004615774.1).
Genomic context (GRCh38, chr17:31,200,444, plus strand): 5'-TTCATATATTATCTTATCGCTATATTTGAATTCTGTAGAAGTTATTTCTGGACAGTCTAC[GA>G]AAAGCTCTTGCTGGCCATGGAGGAAGTAGGCAGCTGACAGAAAGTGCTGCAATTGCCTGT-3'